The following is an entry in ClinVar:

ClinVar aggregate classification (germline): Likely benign (1 of 4 stars; one submission).

gnomAD v4.1: 4 of 1,613,960 alleles (0.00025%); highest among the groups gnomAD compares: Admixed American, 0.005%; no homozygotes.

Submission:

CeGaT Center for Human Genetics Tuebingen
Classification: Likely benign. Last evaluated: 2025-05-01. Review status: criteria provided, single submitter. Criteria: CeGaT Center For Human Genetics Tuebingen Variant Classification Criteria Version 2. Collection method: clinical testing. Allele origin: germline. Affected: yes. Observed: 1 variant allele.
Comment: SRRM2: BP4

NM_016333.4(SRRM2):c.7301C>T (p.Ala2434Val)

Gene: SRRM2 (serine/arginine repetitive matrix 2; plus strand). Cytogenetic location: 16p13.3.
Variant type: single nucleotide variant.
Coding change: c.7301C>T on transcript NM_016333.4 (MANE Select); coding-DNA position 7301, C replaced by T.
Protein change: p.Ala2434Val; replaces alanine 2434 with valine.
Molecular consequence: missense variant.
Genome position (GRCh38, 1-based): chr16:2,767,829, C>T. VCF-style: chr16-2767829-C-T. GRCh37 (hg19) VCF-style: chr16-2817830-C-T.
Other names: short protein forms A2434V.
Identifiers: ClinVar variation 3905852 (VCV003905852.10).
Genomic context (GRCh38, chr16:2,767,829, plus strand): 5'-CAAGCCAATCTAGGATGACCTCTGAACGGGCTCCCTCCCCTTCCTCTAGAATGGGCCAGG[C>T]TCCTTCACAGTCTCTTCTCCCTCCAGCACAGGATCAGCCGAGGTCTCCTGTGCCTTCTGC-3'
Protein context (NP_057417.3, residues 2424-2444): APSPSSRMGQ[Ala2434Val]PSQSLLPPAQ